The following is an entry in ClinVar:

ClinVar aggregate classification (germline): Uncertain significance. Review status: criteria provided, multiple submitters, no conflicts (2 of 4 stars). 2 submissions from 2 submitters: Uncertain significance (2). Last evaluated 2024-08-21.

Allele frequency attached by ClinVar (database versions not stated): gnomAD 0.00001; gnomAD exomes 0.00001; ExAC 0.00002.
gnomAD v4.1: 8 of 1,613,854 alleles (0.0005%); highest among the groups gnomAD compares: Middle Eastern, 0.016%; no homozygotes.

Submissions (2):

Labcorp Genetics (formerly Invitae), Labcorp
Classification: Uncertain significance. Last evaluated: 2024-08-21. Review status: criteria provided, single submitter. Criteria: Invitae Variant Classification Sherloc (09022015). Collection method: clinical testing. Allele origin: germline.
Comment: This sequence change replaces histidine, which is basic and polar, with tyrosine, which is neutral and polar, at codon 108 of the NFKB1 protein (p.His108Tyr). This variant is present in population databases (rs749065614, gnomAD 0.002%). This variant has not been reported in the literature in individuals affected with NFKB1-related conditions. ClinVar contains an entry for this variant (Variation ID: 1026562). Invitae Evidence Modeling of protein sequence and biophysical properties (such as structural, functional, and spatial information, amino acid conservation, physicochemical variation, residue mobility, and thermodynamic stability) indicates that this missense variant is expected to disrupt NFKB1 protein function with a positive predictive value of 80%. In summary, the available evidence is currently insufficient to determine the role of this variant in disease. Therefore, it has been classified as a Variant of Uncertain Significance.

CeGaT Center for Human Genetics Tuebingen
Classification: Uncertain significance. Last evaluated: 2022-03-01. Review status: criteria provided, single submitter. Criteria: CeGaT Center For Human Genetics Tuebingen Variant Classification Criteria Version 2. Collection method: clinical testing. Allele origin: germline. Affected: yes. Observed: 1 variant allele.
Comment: NFKB1: PM2

NM_003998.4(NFKB1):c.322C>T (p.His108Tyr)

Gene: NFKB1 (nuclear factor kappa B subunit 1; plus strand). Cytogenetic location: 4q24.
Variant type: single nucleotide variant.
Coding change: c.322C>T on transcript NM_003998.4 (MANE Select); coding-DNA position 322, C replaced by T.
Protein change: p.His108Tyr; replaces histidine 108 with tyrosine.
Molecular consequence: missense variant.
Genome position (GRCh38, 1-based): chr4:102,567,050, C>T. VCF-style: chr4-102567050-C-T. GRCh37 (hg19) VCF-style: chr4-103488207-C-T.
Other names: c.319C>T, p.His107Tyr (NM_001165412.2, NM_001319226.2, NM_001382627.1); c.322C>T, p.His108Tyr (NM_001382625.1, NM_001382626.1); c.280C>T, p.His94Tyr (NM_001382628.1); short protein forms H107Y, H108Y, H94Y.
Identifiers: ClinVar variation 1026562 (VCV001026562.29), dbSNP rs749065614, ClinGen allele CA3025862.
Genomic context (GRCh38, chr4:102,567,050, plus strand): 5'-TGCAACTATGTGGGACCAGCAAAGGTTATTGTTCAGTTGGTCACAAATGGAAAAAATATC[C>T]ACCTGCATGCCCACAGCCTGGTGGGAAAACACTGTGAGGATGGGATCTGCACTGTAACTG-3'
Protein context (NP_003989.2, residues 98-118): VQLVTNGKNI[His108Tyr]LHAHSLVGKH